The following is an entry in ClinVar:

NM_002141.5(HOXA4):c.162G>A (p.Pro54=)

Genes: HOXA3 (homeobox A3; minus strand), HOXA4 (homeobox A4; minus strand). Cytogenetic location: 7p15.2.
Variant type: single nucleotide variant.
Coding change: c.162G>A on transcript NM_002141.5 (MANE Select); coding-DNA position 162, G replaced by A.
Protein change: p.Pro54=; no amino-acid change (proline 54 retained).
Molecular consequence: synonymous variant. On other transcripts: intron variant (7).
Genome position (GRCh38, 1-based): chr7:27,130,572, C>T on the plus strand (G>A on the coding strand, the complement: HOXA4 is on the minus strand). VCF-style: chr7-27130572-C-T. GRCh37 (hg19) VCF-style: chr7-27170191-C-T.
Other names: c.-389-3502G>A (NM_153631.3, NM_001384340.1); c.-505-3502G>A (NM_001384335.1, NM_001384339.1); c.-204-7930G>A (NM_001384336.1, NM_001384338.1); c.-677-3502G>A (NM_001384337.1).
Identifiers: ClinVar variation 3054235 (VCV003054235.2), dbSNP rs1384120516, ClinGen allele CA454510112.

ClinVar aggregate classification (germline): Likely benign (0 of 4 stars; one submission).

Conditions:
HOXA4-related disorder. Also called: HOXA4-related condition.

gnomAD v4.1: 4 of 1,446,190 alleles (0.00028%); highest among the groups gnomAD compares: Admixed American, 0.0027%; no homozygotes.

Submission:

PreventionGenetics, part of Exact Sciences
Classification: Likely benign for HOXA4-related condition. Last evaluated: 2022-09-20. Review status: no assertion criteria provided. Collection method: clinical testing. Allele origin: germline.
Comment: This variant is classified as likely benign based on ACMG/AMP sequence variant interpretation guidelines (Richards et al. 2015 PMID: 25741868, with internal and published modifications).